The following is an entry in ClinVar:

NM_152490.5(B3GALNT2):c.133C>T (p.Gln45Ter)

Gene: B3GALNT2 (beta-1,3-N-acetylgalactosaminyltransferase 2; minus strand). Cytogenetic location: 1q42.3.
Variant type: single nucleotide variant.
Coding change: c.133C>T on transcript NM_152490.5 (MANE Select); coding-DNA position 133, C replaced by T.
Protein change: p.Gln45Ter; replaces glutamine 45 with a stop codon.
Molecular consequence: nonsense.
Genome position (GRCh38, 1-based): chr1:235,494,808, G>A on the plus strand (C>T on the coding strand, the complement: B3GALNT2 is on the minus strand). VCF-style: chr1-235494808-G-A. GRCh37 (hg19) VCF-style: chr1-235658118-G-A.
Other names: c.256C>T, p.Gln86Ter (NM_001277155.3); short protein forms Q45*, Q86*.
Identifiers: ClinVar variation 1071482 (VCV001071482.5), dbSNP rs1685241606, ClinGen allele CA344931712.

ClinVar aggregate classification (germline): Pathogenic (1 of 4 stars; one submission).

Conditions:
Muscular dystrophy-dystroglycanopathy (congenital with brain and eye anomalies), type a, 11 (MDDGA11). Also called: WALKER-WARBURG SYNDROME OR MUSCLE-EYE-BRAIN DISEASE, B3GALNT2-RELATED; Congenital muscular dystrophy-dystroglycanopathy with brain and eye anomalies, type A11; Muscular dystrophy-dystroglycanopathy (congenital with brain and eye anomalies, type A, 11. Identifiers: Orphanet 588, Orphanet 899, MedGen C3554638, MONDO:0014071, OMIM 615181.

Allele frequency attached by ClinVar (database versions not stated): TOPMed below 0.00001.

Submission:

Labcorp Genetics (formerly Invitae), Labcorp
Classification: Pathogenic for Muscular dystrophy-dystroglycanopathy (congenital with brain and eye anomalies), type a, 11. Last evaluated: 2022-06-20. Review status: criteria provided, single submitter. Criteria: Invitae Variant Classification Sherloc (09022015). Collection method: clinical testing. Allele origin: germline.
Comment: ClinVar contains an entry for this variant (Variation ID: 1071482). For these reasons, this variant has been classified as Pathogenic. This variant has not been reported in the literature in individuals affected with B3GALNT2-related conditions. This variant is not present in population databases (gnomAD no frequency). This sequence change creates a premature translational stop signal (p.Gln45*) in the B3GALNT2 gene. It is expected to result in an absent or disrupted protein product. Loss-of-function variants in B3GALNT2 are known to be pathogenic (PMID: 23453667).

Literature cited by the submitters: PubMed 23453667.